The following is an entry in ClinVar:

NM_007294.4(BRCA1):c.212+8A>T

Gene: BRCA1 (BRCA1 DNA repair associated; minus strand). Cytogenetic location: 17q21.31.
Variant type: single nucleotide variant.
Coding change: c.212+8A>T on transcript NM_007294.4 (MANE Select); 8 bases into the intron after coding-DNA position 212, A replaced by T.
Molecular consequence: intron variant.
Genome position (GRCh38, 1-based): chr17:43,106,448, T>A on the plus strand (A>T on the coding strand, the complement: BRCA1 is on the minus strand). VCF-style: chr17-43106448-T-A. GRCh37 (hg19) VCF-style: chr17-41258465-T-A.
Other names: c.71+8A>T (NM_001408458.1, NM_001407931.1, NM_001407747.1 and 99 more transcripts); c.-218-11588A>T (NM_001407967.1, NM_001407966.1); c.-169-1492A>T (NM_001407959.1, NM_001407962.1, NM_001408512.1 and 4 more transcripts); c.2+30A>T (NM_001407885.1, NM_001407886.1, NM_001407898.1 and 58 more transcripts); c.212+8A>T (NM_001407686.1, NM_001408397.1, NM_001407632.1 and 167 more transcripts); c.81-1492A>T (NM_001408451.1); c.135-1492A>T (NM_001408475.1, NM_001407875.1, NM_001407659.1 and 21 more transcripts).
Identifiers: ClinVar variation 867347 (VCV000867347.3), dbSNP rs2054766862, ClinGen allele CA916080870.

Conditions:
Breast-ovarian cancer, familial, susceptibility to, 1 (BROVCA1). Also called: BRCA1 Hereditary Breast and Ovarian Cancer; OVARIAN CANCER, SUSCEPTIBILITY TO. Identifiers: Orphanet 145, MedGen C2676676, MONDO:0011450, OMIM 604370. Disease mechanism: loss of function.

Submission:

Brotman Baty Institute, University of Washington
No classification provided (evidence only). Condition: Breast-ovarian cancer, familial 1. Review status: no classification provided. Collection method: in vitro. Allele origin: not applicable. Functional consequence: functionally_normal.
ClinVar note: "not provided" was previously submitted as the classification for the variant. However, the classification appeared to be based only on an observation of functional data so it was converted to no classification on 2025-07-30.